The following is an entry in ClinVar:

NM_000834.5(GRIN2B):c.2341C>G (p.Leu781Val)

Gene: GRIN2B (glutamate ionotropic receptor NMDA type subunit 2B; minus strand). Cytogenetic location: 12p13.1.
Variant type: single nucleotide variant.
Coding change: c.2341C>G on transcript NM_000834.5 (MANE Select); coding-DNA position 2341, C replaced by G.
Protein change: p.Leu781Val; replaces leucine 781 with valine.
Molecular consequence: missense variant.
Genome position (GRCh38, 1-based): chr12:13,569,848, G>C on the plus strand (C>G on the coding strand, the complement: GRIN2B is on the minus strand). VCF-style: chr12-13569848-G-C. GRCh37 (hg19) VCF-style: chr12-13722782-G-C.
Other names: short protein forms L781V.
Identifiers: ClinVar variation 424022 (VCV000424022.5), dbSNP rs1064796752, ClinGen allele CA16619494.

ClinVar aggregate classification (germline): Pathogenic (1 of 4 stars; one submission).

Conditions:
Complex neurodevelopmental disorder. Identifiers: Orphanet 528084, MedGen C5568766, MONDO:0100038.

Submission:

GeneDx
Classification: Pathogenic. Last evaluated: 2023-04-06. Review status: criteria provided, single submitter. Criteria: GeneDx Variant Classification Process June 2021. Collection method: clinical testing. Allele origin: germline. Affected: yes.
Comment: Not observed at significant frequency in large population cohorts (gnomAD); In silico analysis supports that this missense variant has a deleterious effect on protein structure/function; Has not been previously published as pathogenic or benign to our knowledge; This variant is associated with the following publications: (PMID: 27839871)